The following is an entry in ClinVar:

ClinVar aggregate classification (germline): Uncertain significance. Review status: criteria provided, multiple submitters, no conflicts (2 of 4 stars). 3 submissions from 3 submitters: Uncertain significance (3). Last evaluated 2025-12-15.

Conditions:
Juvenile polyposis syndrome (JPS). Identifiers: Orphanet 2929, MedGen C0345893, MONDO:0017380, OMIM 174900.
Hereditary cancer-predisposing syndrome. Also called: Hereditary neoplastic syndrome; Neoplastic Syndromes, Hereditary; Tumor predisposition; Hereditary Cancer Syndrome. Identifiers: Orphanet 140162, MedGen C0027672, MeSH D009386, MONDO:0015356.

Submissions (3):

Labcorp Genetics (formerly Invitae), Labcorp
Classification: Uncertain significance for Juvenile polyposis syndrome. Last evaluated: 2025-12-15. Review status: criteria provided, single submitter. Criteria: Invitae Variant Classification Sherloc (09022015). Collection method: clinical testing. Allele origin: germline.
Comment: This sequence change replaces isoleucine, which is neutral and non-polar, with serine, which is neutral and polar, at codon 517 of the BMPR1A protein (p.Ile517Ser). This variant is not present in population databases (gnomAD no frequency). This variant has not been reported in the literature in individuals affected with BMPR1A-related conditions. ClinVar contains an entry for this variant (Variation ID: 482880). Invitae Evidence Modeling of protein sequence and biophysical properties (such as structural, functional, and spatial information, amino acid conservation, physicochemical variation, residue mobility, and thermodynamic stability) indicates that this missense variant is expected to disrupt BMPR1A protein function with a positive predictive value of 80%. RNA analysis performed to evaluate the impact of this missense change on mRNA splicing indicates it does not significantly alter splicing (internal data). In summary, the available evidence is currently insufficient to determine the role of this variant in disease. Therefore, it has been classified as a Variant of Uncertain Significance.

Ambry Genetics
Classification: Uncertain significance for Hereditary cancer-predisposing syndrome. Last evaluated: 2025-07-29. Review status: criteria provided, single submitter. Criteria: Ambry Variant Classification Scheme 2023. Collection method: clinical testing. Allele origin: germline.
Comment: The p.I517S variant (also known as c.1550T>G), located in coding exon 11 of the BMPR1A gene, results from a T to G substitution at nucleotide position 1550. The isoleucine at codon 517 is replaced by serine, an amino acid with dissimilar properties. This amino acid position is well conserved in available vertebrate species. In addition, this alteration is predicted to be deleterious by in silico analysis. Since supporting evidence is limited at this time, the clinical significance of this alteration remains unclear.

Color Diagnostics, LLC DBA Color Health
Classification: Uncertain significance for Hereditary cancer-predisposing syndrome. Last evaluated: 2024-03-07. Review status: criteria provided, single submitter. Criteria: ACMG Guidelines, 2015. Collection method: clinical testing. Allele origin: germline.
Comment: This missense variant replaces isoleucine with serine at codon 517 of the BMPR1A protein. Computational prediction suggests that this variant may have deleterious impact on protein structure and function (internally defined REVEL score threshold >= 0.7, PMID: 27666373). To our knowledge, functional studies have not been reported for this variant. This variant has not been reported in individuals affected with hereditary cancer in the literature. This variant has not been identified in the general population by the Genome Aggregation Database (gnomAD). The available evidence is insufficient to determine the role of this variant in disease conclusively. Therefore, this variant is classified as a Variant of Uncertain Significance.

NM_004329.3(BMPR1A):c.1550T>G (p.Ile517Ser)

Gene: BMPR1A (bone morphogenetic protein receptor type 1A; plus strand). Cytogenetic location: 10q23.2.
Variant type: single nucleotide variant.
Coding change: c.1550T>G on transcript NM_004329.3 (MANE Select); coding-DNA position 1550, T replaced by G.
Protein change: p.Ile517Ser; replaces isoleucine 517 with serine.
Molecular consequence: missense variant.
Genome position (GRCh38, 1-based): chr10:86,923,670, T>G. VCF-style: chr10-86923670-T-G. GRCh37 (hg19) VCF-style: chr10-88683427-T-G.
Other names: short protein forms I517S.
Identifiers: ClinVar variation 482880 (VCV000482880.16), dbSNP rs1554891667, ClinGen allele CA377463926.
Genomic context (GRCh38, chr10:86,923,670, plus strand): 5'-TGAAGCTAATGTCAGAATGCTGGGCCCACAATCCAGCCTCCAGACTCACAGCATTGAGAA[T>G]TAAGAAGACGCTTGCCAAGATGGTTGAATCCCAAGATGTAAAAATCTGATGGTTAAACCA-3'
Protein context (NP_004320.2, residues 507-527): NPASRLTALR[Ile517Ser]KKTLAKMVES